The following is an entry in ClinVar:

ClinVar aggregate classification (germline): Benign/Likely benign. Review status: criteria provided, multiple submitters, no conflicts (2 of 4 stars). 7 submissions from 7 submitters: Benign (1); Likely benign (6). Last evaluated 2025-11-10.

Conditions:
Hereditary cancer-predisposing syndrome. Also called: Hereditary Cancer Syndrome; Hereditary neoplastic syndrome; Neoplastic Syndromes, Hereditary; Tumor predisposition. Identifiers: Orphanet 140162, MedGen C0027672, MeSH D009386, MONDO:0015356.
Hereditary nonpolyposis colorectal neoplasms. Identifiers: MedGen C0009405, MeSH D003123.
Lynch syndrome. Identifiers: Orphanet 144, MedGen C4552100, MONDO:0005835. Disease mechanism: loss of function.
Lynch syndrome 5 (LYNCH5). Also called: Hereditary non-polyposis colorectal cancer, type 5; Colorectal cancer, hereditary nonpolyposis, type 5. Identifiers: Orphanet 144, MedGen C1833477, MONDO:0013710, OMIM 614350. Disease mechanism: loss of function.

Allele frequency attached by ClinVar (database versions not stated): gnomAD exomes 0.00001; TOPMed 0.00001.
gnomAD v4.1: 6 of 1,613,142 alleles (0.00037%); highest among the groups gnomAD compares: Non-Finnish European, 0.00051%; no homozygotes.

Submissions (7):

Labcorp Genetics (formerly Invitae), Labcorp
Classification: Likely benign for Hereditary nonpolyposis colorectal neoplasms. Last evaluated: 2025-11-10. Review status: criteria provided, single submitter. Criteria: Invitae Variant Classification Sherloc (09022015). Collection method: clinical testing. Allele origin: germline.

Center for Genomic Medicine, Rigshospitalet, Copenhagen University Hospital
Classification: Likely benign. Last evaluated: 2025-03-04. Review status: criteria provided, single submitter. Criteria: ACMG Guidelines, 2015. Collection method: clinical testing. Allele origin: germline.

Myriad Genetics, Inc.
Classification: Benign for Lynch syndrome 5. Last evaluated: 2025-01-07. Review status: criteria provided, single submitter. Criteria: Myriad Autosomal Dominant, Autosomal Recessive and X-Linked Classification Criteria (2023). Collection method: clinical testing. Allele origin: unknown.
Comment: This variant is considered benign. This variant is a silent/synonymous amino acid change and it is not expected to impact splicing.

All of Us Research Program, National Institutes of Health
Classification: Likely benign for Lynch syndrome. Last evaluated: 2023-12-13. Review status: criteria provided, single submitter. Criteria: ACMG Guidelines, 2015. Collection method: clinical testing. Allele origin: germline. Inheritance: Autosomal dominant inheritance. Observed: 3 variant alleles, 3 heterozygotes.
Comment: This study involves interpretation of variants in research participants for the purpose of population health screening. Participant phenotype was not available at the time of variant classification. Additional details can be found in publication PMID: 35346344, PMCID: PMC8962531

Color Diagnostics, LLC DBA Color Health
Classification: Likely benign for Hereditary cancer-predisposing syndrome. Last evaluated: 2017-03-30. Review status: criteria provided, single submitter. Criteria: ACMG Guidelines, 2015. Collection method: clinical testing. Allele origin: germline.

GeneDx
Classification: Likely benign. Last evaluated: 2017-03-09. Review status: criteria provided, single submitter. Criteria: GeneDx Variant Classification (06012015). Collection method: clinical testing. Allele origin: germline. Affected: yes.
Comment: This variant is considered likely benign or benign based on one or more of the following criteria: it is a conservative change, it occurs at a poorly conserved position in the protein, it is predicted to be benign by multiple in silico algorithms, and/or has population frequency not consistent with disease.

Ambry Genetics
Classification: Likely benign for Hereditary cancer-predisposing syndrome. Last evaluated: 2015-10-28. Review status: criteria provided, single submitter. Criteria: Ambry Variant Classification Scheme 2023. Collection method: clinical testing. Allele origin: germline.

NM_000179.3(MSH6):c.3441T>G (p.Ala1147=)

Gene: MSH6 (mutS homolog 6; plus strand). Cytogenetic location: 2p16.3.
Variant type: single nucleotide variant.
Coding change: c.3441T>G on transcript NM_000179.3 (MANE Select); coding-DNA position 3441, T replaced by G.
Protein change: p.Ala1147=; no amino-acid change (alanine 1147 retained).
Molecular consequence: synonymous variant.
Genome position (GRCh38, 1-based): chr2:47,804,912, T>G. VCF-style: chr2-47804912-T-G. GRCh37 (hg19) VCF-style: chr2-48032051-T-G.
Other names: c.3051T>G, p.Ala1017= (NM_001281492.2); c.2535T>G, p.Ala845= (NM_001281493.2, NM_001281494.2).
Identifiers: ClinVar variation 455261 (VCV000455261.22), dbSNP rs1389565996, ClinGen allele CA425997189.